The following is an entry in ClinVar:

NM_000256.3(MYBPC3):c.2976C>A (p.Asn992Lys)

Gene: MYBPC3 (myosin binding protein C3; minus strand). Cytogenetic location: 11p11.2.
Variant type: single nucleotide variant.
Coding change: c.2976C>A on transcript NM_000256.3 (MANE Select); coding-DNA position 2976, C replaced by A.
Protein change: p.Asn992Lys; replaces asparagine 992 with lysine.
Molecular consequence: missense variant.
Genome position (GRCh38, 1-based): chr11:47,333,940, G>T on the plus strand (C>A on the coding strand, the complement: MYBPC3 is on the minus strand). VCF-style: chr11-47333940-G-T. GRCh37 (hg19) VCF-style: chr11-47355491-G-T.
Other names: short protein forms N992K.
Identifiers: ClinVar variation 1798328 (VCV001798328.5), dbSNP rs2095879907, ClinGen allele CA380315812.

ClinVar aggregate classification (germline): Uncertain significance. Review status: criteria provided, multiple submitters, no conflicts (2 of 4 stars). 2 submissions from 2 submitters: Uncertain significance (2). Last evaluated 2025-08-09.

Conditions:
Cardiovascular phenotype. Identifiers: MedGen CN230736.
Hypertrophic cardiomyopathy. Also called: HYPERTROPHIC MYOCARDIOPATHY. Identifiers: Orphanet 217569, MedGen C0007194, MeSH D002312, MONDO:0005045, HP:0001639.

Allele frequency attached by ClinVar (database versions not stated): TOPMed below 0.00001; gnomAD 0.00001; gnomAD exomes 0.00001.
gnomAD v4.1: 4 of 1,579,148 alleles (0.00025%); highest among the groups gnomAD compares: Non-Finnish European, 0.00034%; no homozygotes.

Submissions (2):

Ambry Genetics
Classification: Uncertain significance for Cardiovascular phenotype. Last evaluated: 2025-08-09. Review status: criteria provided, single submitter. Criteria: Ambry Variant Classification Scheme 2023. Collection method: clinical testing. Allele origin: germline.
Comment: The p.N992K variant (also known as c.2976C>A), located in coding exon 28 of the MYBPC3 gene, results from a C to A substitution at nucleotide position 2976. The asparagine at codon 992 is replaced by lysine, an amino acid with similar properties. This amino acid position is highly conserved in available vertebrate species. In addition, this alteration is predicted to be tolerated by in silico analysis. Since supporting evidence is limited at this time, the clinical significance of this alteration remains unclear.

Labcorp Genetics (formerly Invitae), Labcorp
Classification: Uncertain significance for Hypertrophic cardiomyopathy. Last evaluated: 2025-07-03. Review status: criteria provided, single submitter. Criteria: Invitae Variant Classification Sherloc (09022015). Collection method: clinical testing. Allele origin: germline.
Comment: This sequence change replaces asparagine, which is neutral and polar, with lysine, which is basic and polar, at codon 992 of the MYBPC3 protein (p.Asn992Lys). This variant is not present in population databases (gnomAD no frequency). This variant has not been reported in the literature in individuals affected with MYBPC3-related conditions. ClinVar contains an entry for this variant (Variation ID: 1798328). An algorithm developed to predict the effect of missense changes on protein structure and function (PolyPhen-2) suggests that this variant is likely to be disruptive. In summary, the available evidence is currently insufficient to determine the role of this variant in disease. Therefore, it has been classified as a Variant of Uncertain Significance.